The following is an entry in ClinVar:

ClinVar aggregate classification (germline): Pathogenic. Review status: criteria provided, multiple submitters, no conflicts (2 of 4 stars). 10 submissions from 10 submitters: Pathogenic (9). 1 of the submissions does not count toward it. Last evaluated 2025-07-01.

Conditions:
APC-related disorder. Also called: APC-related condition.
Hereditary cancer-predisposing syndrome. Also called: Tumor predisposition; Neoplastic Syndromes, Hereditary; Hereditary Cancer Syndrome; Hereditary neoplastic syndrome. Identifiers: Orphanet 140162, MedGen C0027672, MeSH D009386, MONDO:0015356.
Familial multiple polyposis syndrome (FAP). Also called: Familial intestinal polyposis; Familial Adenomatous Polyposis (FAP); Familial polyposis; Classic familial adenomatous polyposis; Familial adenomatous polyposis. Identifiers: Orphanet 733, MedGen C0032580, MONDO:0021055. Disease mechanism: loss of function.
Familial adenomatous polyposis 1 (FAP1). Also called: POLYPOSIS, ADENOMATOUS INTESTINAL; FAMILIAL ADENOMATOUS POLYPOSIS 1, ATTENUATED. Identifiers: MedGen C2713442, MONDO:0021056, OMIM 175100. Disease mechanism: loss of function.

gnomAD v4.1: 2 of 1,614,186 alleles (0.00012%); highest among the groups gnomAD compares: Non-Finnish European, 0.00017%; no homozygotes.

Submissions (10):

CeGaT Center for Human Genetics Tuebingen
Classification: Pathogenic. Last evaluated: 2025-07-01. Review status: criteria provided, single submitter. Criteria: CeGaT Center For Human Genetics Tuebingen Variant Classification Criteria Version 2. Collection method: clinical testing. Allele origin: germline. Affected: yes. Observed: 2 variant alleles.
Comment: APC: PVS1, PM2, PS4:Moderate

Labcorp Genetics (formerly Invitae), Labcorp
Classification: Pathogenic for Familial adenomatous polyposis 1. Last evaluated: 2025-02-16. Review status: criteria provided, single submitter. Criteria: Invitae Variant Classification Sherloc (09022015). Collection method: clinical testing. Allele origin: germline.
Comment: This sequence change creates a premature translational stop signal (p.Tyr96*) in the APC gene. It is expected to result in an absent or disrupted protein product. Loss-of-function variants in APC are known to be pathogenic (PMID: 17963004, 20685668). This variant is present in population databases (rs376213437, gnomAD 0.0009%). This premature translational stop signal has been observed in individual(s) with attenuated familial adenomatous polyposis (AFAP) and colon polyps (PMID: 24549056, 26681312). It has also been observed to segregate with disease in related individuals. ClinVar contains an entry for this variant (Variation ID: 181831). Studies have shown that this premature translational stop signal is associated with inconclusive levels of altered splicing (internal data). For these reasons, this variant has been classified as Pathogenic.

Blueprint Genetics
Classification: Pathogenic for APC-related disorders. Last evaluated: 2024-04-03. Review status: criteria provided, single submitter. Criteria: ACMG Guidelines, 2015. Collection method: clinical testing. Allele origin: germline. Affected: yes. Observed: 1 variant allele.

Women's Health and Genetics/Laboratory Corporation of America, LabCorp
Classification: Pathogenic for Familial multiple polyposis syndrome. Last evaluated: 2023-07-02. Review status: criteria provided, single submitter. Criteria: LabCorp Variant Classification Summary - May 2015. Collection method: clinical testing. Allele origin: germline.
Comment: Variant summary: APC c.288T>A (p.Tyr96X) results in a premature termination codon, predicted to cause a truncation of the encoded protein or absence of the protein due to nonsense mediated decay, which are commonly known mechanisms for disease. The variant allele was found at a frequency of 4e-06 in 251468 control chromosomes. c.288T>A has been reported in the literature in multiple individuals affected with Familial Adenomatous Polyposis (example, Ibrahim_2014, Park_2022, Susswein_2016). These data indicate that the variant is very likely to be associated with disease. The following publications have been ascertained in the context of this evaluation (PMID: 24549056, 34897210, 26681312). Four submitters have cited clinical-significance assessments for this variant to ClinVar after 2014. All submitters classified the variant as pathogenic. Based on the evidence outlined above, the variant was classified as pathogenic.

Myriad Genetics, Inc.
Classification: Pathogenic for Familial adenomatous polyposis 1. Last evaluated: 2023-04-25. Review status: criteria provided, single submitter. Criteria: Myriad Autosomal Dominant, Autosomal Recessive and X-Linked Classification Criteria (2023). Collection method: clinical testing. Allele origin: unknown.
Comment: This variant is considered pathogenic. This variant creates a termination codon and is predicted to result in premature protein truncation.

Ambry Genetics
Classification: Pathogenic for Hereditary cancer-predisposing syndrome. Last evaluated: 2023-01-04. Review status: criteria provided, single submitter. Criteria: Ambry Variant Classification Scheme 2023. Collection method: clinical testing. Allele origin: germline.
Comment: The p.Y96* pathogenic mutation (also known as c.288T>A), located in coding exon 3 of the APC gene, results from a T to A substitution at nucleotide position 288. This changes the amino acid from a tyrosine to a stop codon within coding exon 3. This alteration has been identified in several familial adenomatous polyposis (FAP) and colorectal cancer (CRC) patients (Ambry internal data; Ibrahim A et al. Eur. J. Hum. Genet., 2014 Nov;22:1330-3; Susswein LR et al. Genet. Med., 2016 Aug;18:823-32; Lagarde, A et al. J Med Genet 2010 Oct;47(10):721-2; Kim, B et al. BMC Med Genomics 2019 Jul;12(1):103). One publication showed this variant to have attenuated phenotype and to segregate with CRC (Ibrahim A et al. Eur. J. Hum. Genet., 2014 Nov;22:1330-3). In silico splice site analysis predicts that this alteration will result in the creation or strengthening of a novel splice acceptor site. RNA studies have demonstrated that this alteration results in an incomplete splice defect (Ambry internal data). In addition to the clinical data presented in the literature, this alteration is expected to result in loss of function by premature protein truncation or nonsense-mediated mRNA decay. As such, this alteration is interpreted as a disease-causing mutation.

GeneDx
Classification: Pathogenic. Last evaluated: 2021-11-05. Review status: criteria provided, single submitter. Criteria: GeneDx Variant Classification Process June 2021. Collection method: clinical testing. Allele origin: germline. Affected: yes.
Comment: Nonsense variant predicted to result in protein truncation or nonsense mediated decay in a gene for which loss-of-function is a known mechanism of disease; Not observed at significant frequency in large population cohorts (Lek et al., 2016); This variant is associated with the following publications: (PMID: 23159591, 26681312, 20685668, 30720243, 24549056)

Baylor Genetics
Classification: Pathogenic for Familial adenomatous polyposis 1. Last evaluated: 2021-11-03. Review status: criteria provided, single submitter. Criteria: ACMG Guidelines, 2015. Collection method: clinical testing. Allele origin: unknown.

Quest Diagnostics Nichols Institute San Juan Capistrano
Classification: Pathogenic. Last evaluated: 2018-04-11. Review status: criteria provided, single submitter. Criteria: Quest Diagnostics criteria. Collection method: clinical testing. Allele origin: germline.

Department of Pathology and Laboratory Medicine, Sinai Health System
Classification: Pathogenic. Review status: no assertion criteria provided. Collection method: clinical testing. Allele origin: unknown. Affected: yes. Study: The Canadian Open Genetics Repository (COGR). Not counted in ClinVar's aggregate classification.
Comment: The APC p.Tyr96X variant was identified once in the literature in a cohort of individuals with familial adenomatous polyposis (Lagarde 2010). The total number of individuals in the study was not provided however, and the variant in this study had a different nucleotide change (c.288T>G) which resulted in the same change at protein level as the variant identified by our lab. The p.Tyr96X variant leads to a premature stop codon at position 96. This alteration would typically be predicted to result in a truncated or absent protein and loss of function; however, one study has demonstrated that for APC mutations closer to the 5â€šÃ„Ã´ terminus, an internal ribosome entry site is utilized to initiate translation at codon 184, resulting in a partially functional N-terminally truncated protein, which results in an attenuated phenotype (Heppner Goss 2002). In summary, based on the above information, this variant is classified as pathogenic.

Literature cited by the submitters: PubMed 17963004 (cited by Labcorp Genetics (formerly Invitae), Labcorp); PubMed 20685668 (cited by Labcorp Genetics (formerly Invitae), Labcorp and Ambry Genetics); PubMed 24549056 (cited by 3 submitters); PubMed 26681312 (cited by 3 submitters); PubMed 34897210 (cited by Women's Health and Genetics/Laboratory Corporation of America, LabCorp); PubMed 31269945 (cited by Ambry Genetics).

NM_000038.6(APC):c.288T>A (p.Tyr96Ter)

Gene: APC (APC regulator of Wnt signaling pathway; plus strand). Cytogenetic location: 5q22.2.
Variant type: single nucleotide variant.
Coding change: c.288T>A on transcript NM_000038.6 (MANE Select); coding-DNA position 288, T replaced by A.
Protein change: p.Tyr96Ter; replaces tyrosine 96 with a stop codon.
Molecular consequence: nonsense. On other transcripts: 5 prime UTR variant (1).
Genome position (GRCh38, 1-based): chr5:112,767,256, T>A. VCF-style: chr5-112767256-T-A. GRCh37 (hg19) VCF-style: chr5-112102953-T-A.
Other names: p.Y96*:TAT>TAA; c.288T>A, p.Tyr96Ter (NM_001127510.3, NM_001354895.2, NM_001354896.2 and 2 more transcripts); c.318T>A, p.Tyr106Ter (NM_001127511.3, NM_001354897.2, NM_001354902.2); c.213T>A, p.Tyr71Ter (NM_001354898.2, NM_001354904.2); c.111T>A, p.Tyr37Ter (NM_001354900.2, NM_001354901.2, NM_001354905.2); c.-748T>A (NM_001354906.2); short protein forms Y106*, Y96*, Y71*, Y37*.
Identifiers: ClinVar variation 181831 (VCV000181831.34), dbSNP rs376213437, ClinGen allele CA007872.